The following is an entry in ClinVar:

NM_052859.4(RFT1):c.979G>A (p.Ala327Thr)

Gene: RFT1 (RFT1 glycolipid translocator homolog; minus strand). Cytogenetic location: 3p21.1.
Variant type: single nucleotide variant.
Coding change: c.979G>A on transcript NM_052859.4 (MANE Select); coding-DNA position 979, G replaced by A.
Protein change: p.Ala327Thr; replaces alanine 327 with threonine.
Molecular consequence: missense variant.
Genome position (GRCh38, 1-based): chr3:53,104,076, C>T on the plus strand (G>A on the coding strand, the complement: RFT1 is on the minus strand). VCF-style: chr3-53104076-C-T. GRCh37 (hg19) VCF-style: chr3-53138092-C-T.
Other names: short protein forms A327T.
Identifiers: ClinVar variation 1488095 (VCV001488095.8), dbSNP rs745493847, ClinGen allele CA2451269.
Genomic context (GRCh38, chr3:53,104,076, plus strand): 5'-CAAAAACAGTGATGGTCAGGCCGGCCAGCAGGGCCAGCTTGAGCAGGGACTCCAAGACTG[C>T]AGCAGCCACAGCAACGTCCTCCTGGGGCCAGGGAAGAGGGAAGGAAGTTGGATGAATCAT-3'
Protein context (NP_443091.1, residues 317-337): QKQEDVAVAA[Ala327Thr]VLESLLKLAL

ClinVar aggregate classification (germline): Uncertain significance (1 of 4 stars; one submission).

Conditions:
RFT1-congenital disorder of glycosylation (CDG1N). Also called: CDG In; Congenital disorder of glycosylation type In; RFT1-CDG. Identifiers: Orphanet 244310, MedGen C2677590, MONDO:0012783, OMIM 612015.

Allele frequency attached by ClinVar (database versions not stated): gnomAD exomes below 0.00001; ExAC 0.00001.

Submission:

Labcorp Genetics (formerly Invitae), Labcorp
Classification: Uncertain significance for RFT1-congenital disorder of glycosylation. Last evaluated: 2021-03-31. Review status: criteria provided, single submitter. Criteria: Invitae Variant Classification Sherloc (09022015). Collection method: clinical testing. Allele origin: germline.
Comment: This variant has not been reported in the literature in individuals with RFT1-related conditions. This variant is present in population databases (rs745493847, ExAC 0.009%). This sequence change replaces alanine with threonine at codon 327 of the RFT1 protein (p.Ala327Thr). The alanine residue is moderately conserved and there is a small physicochemical difference between alanine and threonine. Algorithms developed to predict the effect of missense changes on protein structure and function output the following: SIFT: "Tolerated"; PolyPhen-2: "Benign"; Align-GVGD: "Class C0". The threonine amino acid residue is found in multiple mammalian species, suggesting that this missense change does not adversely affect protein function. These predictions have not been confirmed by published functional studies and their clinical significance is uncertain. In summary, the available evidence is currently insufficient to determine the role of this variant in disease. Therefore, it has been classified as a Variant of Uncertain Significance.